The following is an entry in ClinVar:

NM_005560.6(LAMA5):c.3859G>A (p.Val1287Met)

Gene: LAMA5 (laminin subunit alpha 5; minus strand). Cytogenetic location: 20q13.33.
Variant type: single nucleotide variant.
Coding change: c.3859G>A on transcript NM_005560.6 (MANE Select); coding-DNA position 3859, G replaced by A.
Protein change: p.Val1287Met; replaces valine 1287 with methionine.
Molecular consequence: missense variant.
Genome position (GRCh38, 1-based): chr20:62,330,608, C>T on the plus strand (G>A on the coding strand, the complement: LAMA5 is on the minus strand). VCF-style: chr20-62330608-C-T. GRCh37 (hg19) VCF-style: chr20-60905664-C-T.
Other names: c.3859G>A (NM_005560.3); short protein forms V1287M.
Identifiers: ClinVar variation 1041329 (VCV001041329.7), dbSNP rs144486768, ClinGen allele CA9942813.
Genomic context (GRCh38, chr20:62,330,608, plus strand): 5'-GGTAGCCGTGCAGCAGGAAGGCATAGCGGCCCAGCGTGGGCACATGGGTGGTGAAGACCA[C>T]GGTGGCCTGCAGGGATAGGCCCTAGTGAGCAGGCTGAGCTATGAGCCCCTGCTGCCCCCT-3'
Protein context (NP_005551.3, residues 1277-1297): PTLLREPQAT[Val1287Met]VFTTHVPTLG

ClinVar aggregate classification (germline): Uncertain significance. Review status: criteria provided, multiple submitters, no conflicts (2 of 4 stars). 2 submissions from 2 submitters: Uncertain significance (2). Last evaluated 2022-06-09.

Conditions:
Inborn genetic diseases. Identifiers: MedGen C0950123, MeSH D030342.

Allele frequency attached by ClinVar (database versions not stated): gnomAD exomes 0.00003 and 0.00004; gnomAD 0.00008 and 0.00010; TOPMed 0.00008; ExAC 0.00011; ESP Exome Variant Server 0.00015.
gnomAD v4.1: 53 of 1,590,974 alleles (0.0033%); highest among the groups gnomAD compares: Middle Eastern, 0.017%; no homozygotes.

Submissions (2):

Ambry Genetics
Classification: Uncertain significance for Inborn genetic diseases. Last evaluated: 2022-06-09. Review status: criteria provided, single submitter. Criteria: Ambry Variant Classification Scheme 2023. Collection method: clinical testing. Allele origin: germline.

Labcorp Genetics (formerly Invitae), Labcorp
Classification: Uncertain significance. Last evaluated: 2021-01-13. Review status: criteria provided, single submitter. Criteria: Invitae Variant Classification Sherloc (09022015). Collection method: clinical testing. Allele origin: germline.
Comment: In summary, the available evidence is currently insufficient to determine the role of this variant in disease. Therefore, it has been classified as a Variant of Uncertain Significance. Algorithms developed to predict the effect of missense changes on protein structure and function are either unavailable or do not agree on the potential impact of this missense change (SIFT: "Deleterious"; PolyPhen-2: "Probably Damaging"; Align-GVGD: "Class C0"). This variant has not been reported in the literature in individuals with LAMA5-related conditions. This variant is present in population databases (rs144486768, ExAC 0.03%). This sequence change replaces valine with methionine at codon 1287 of the LAMA5 protein (p.Val1287Met). The valine residue is highly conserved and there is a small physicochemical difference between valine and methionine.